The following is an entry in ClinVar:

NM_015274.3(MAN2B2):c.1057+17G>A

Gene: MAN2B2 (mannosidase alpha class 2B member 2; plus strand). Cytogenetic location: 4p16.1.
Variant type: single nucleotide variant.
Coding change: c.1057+17G>A on transcript NM_015274.3 (MANE Select); 17 bases into the intron after coding-DNA position 1057, G replaced by A.
Molecular consequence: intron variant.
Genome position (GRCh38, 1-based): chr4:6,594,749, G>A. VCF-style: chr4-6594749-G-A. GRCh37 (hg19) VCF-style: chr4-6596476-G-A.
Other names: p.?; c.904+17G>A (NM_001292038.2).
Identifiers: ClinVar variation 2688038 (VCV002688038.4), dbSNP rs2301794, ClinGen allele CA2840791.
Genomic context (GRCh38, chr4:6,594,749, plus strand): 5'-CTGGCGTGTCCGCGACCACCACGACTTCCTGCCCTATTCCACAGGTACAGGCTTCCAGGG[G>A]CTGGGGTGGTAGTTTGGTGGCAGGGAGGGTATAGTCCACGTACCCTCTGCCCACTTCAGT-3'

ClinVar aggregate classification (germline): Benign. Review status: criteria provided, multiple submitters, no conflicts (2 of 4 stars). 3 submissions from 3 submitters: Benign (3). Last evaluated 2026-01-21.

Allele frequency attached by ClinVar (database versions not stated): ESP Exome Variant Server 0.26572; TOPMed 0.27386; gnomAD 0.28074; 1000 Genomes Project 30x 0.28732; 1000 Genomes Project 0.29393; gnomAD exomes 0.36131; ExAC 0.39697.

Submissions (3):

Women's Health and Genetics/Laboratory Corporation of America, LabCorp
Classification: Benign. Last evaluated: 2026-01-21. Review status: criteria provided, single submitter. Criteria: LabCorp Variant Classification Summary - May 2015. Collection method: clinical testing. Allele origin: germline.

Unidad de Genómica Garrahan, Hospital de Pediatría Garrahan
Classification: Benign. Last evaluated: 2024-01-24. Review status: criteria provided, single submitter. Criteria: ACMG Guidelines, 2015. Collection method: clinical testing. Allele origin: germline. Affected: no. Observed: 62 variant alleles.
Comment: This variant is classified as Benign based on local population frequency. This variant was detected in 65% of patients studied by a panel of primary immunodeficiencies. Number of patients: 62. Only high quality variants are reported.

Mayo Clinic Laboratories, Mayo Clinic
Classification: Benign. Last evaluated: 2022-04-14. Review status: criteria provided, single submitter. Criteria: ACMG Guidelines, 2015. Collection method: clinical testing. Allele origin: germline. Observed: 12 variant alleles.